The following is an entry in ClinVar:

ClinVar aggregate classification (germline): Likely benign (1 of 4 stars; one submission).

Conditions:
Marfan syndrome (MFS). Also called: MARFAN SYNDROME, TYPE I; Marfan syndrome type 1; Marfan's syndrome; Marfan syndrome, classic; FBN1-Related Marfan Syndrome. Identifiers: Orphanet 284963, Orphanet 558, MedGen C0024796, MONDO:0007947, OMIM 154700.

Allele frequency attached by ClinVar (database versions not stated): gnomAD exomes below 0.00001; TOPMed 0.00002; gnomAD 0.00001.
gnomAD v4.1: 3 of 1,614,012 alleles (0.00019%); highest among the groups gnomAD compares: African/African-American, 0.004%; no homozygotes.

Submission:

All of Us Research Program, National Institutes of Health
Classification: Likely benign for Marfan syndrome. Last evaluated: 2023-12-18. Review status: criteria provided, single submitter. Criteria: ACMG Guidelines, 2015. Collection method: clinical testing. Allele origin: germline. Inheritance: Autosomal dominant inheritance. Observed: 1 variant allele, 1 heterozygote.
Comment: This study involves interpretation of variants in research participants for the purpose of population health screening. Participant phenotype was not available at the time of variant classification. Additional details can be found in publication PMID: 35346344, PMCID: PMC8962531

NM_000138.5(FBN1):c.7764C>T (p.Tyr2588=)

Gene: FBN1 (fibrillin 1; minus strand). Cytogenetic location: 15q21.1.
Variant type: single nucleotide variant.
Coding change: c.7764C>T on transcript NM_000138.5 (MANE Select); coding-DNA position 7764, C replaced by T.
Protein change: p.Tyr2588=; no amino-acid change (tyrosine 2588 retained).
Molecular consequence: synonymous variant.
Genome position (GRCh38, 1-based): chr15:48,420,742, G>A on the plus strand (C>T on the coding strand, the complement: FBN1 is on the minus strand). VCF-style: chr15-48420742-G-A. GRCh37 (hg19) VCF-style: chr15-48712939-G-A.
Other names: c.7764C>T, p.Tyr2588= (NM_001406716.1).
Identifiers: ClinVar variation 3075151 (VCV003075151.1), dbSNP rs927103213, ClinGen allele CA269519590.